The following is an entry in ClinVar:

ClinVar aggregate classification (germline): Uncertain significance (1 of 4 stars; one submission).

Conditions:
Perlman syndrome (PRLMNS). Identifiers: Orphanet 2849, MedGen C0796113, MONDO:0009965, OMIM 267000.

Submission:

Labcorp Genetics (formerly Invitae), Labcorp
Classification: Uncertain significance for Perlman syndrome. Last evaluated: 2021-09-25. Review status: criteria provided, single submitter. Criteria: Invitae Variant Classification Sherloc (09022015). Collection method: clinical testing. Allele origin: germline.
Comment: This sequence change replaces glutamine with arginine at codon 670 of the DIS3L2 protein (p.Gln670Arg). The glutamine residue is highly conserved and there is a small physicochemical difference between glutamine and arginine. This variant is not present in population databases (ExAC no frequency). This variant has not been reported in the literature in individuals affected with DIS3L2-related conditions. Algorithms developed to predict the effect of missense changes on protein structure and function are either unavailable or do not agree on the potential impact of this missense change (SIFT: "Tolerated"; PolyPhen-2: "Probably Damaging"; Align-GVGD: "Class C0"). In summary, the available evidence is currently insufficient to determine the role of this variant in disease. Therefore, it has been classified as a Variant of Uncertain Significance.

NM_152383.5(DIS3L2):c.2009A>G (p.Gln670Arg)

Gene: DIS3L2 (DIS3 like 3'-5' exoribonuclease 2; plus strand). Cytogenetic location: 2q37.1.
Variant type: single nucleotide variant.
Coding change: c.2009A>G on transcript NM_152383.5 (MANE Select); coding-DNA position 2009, A replaced by G.
Protein change: p.Gln670Arg; replaces glutamine 670 with arginine.
Molecular consequence: missense variant. On other transcripts: non-coding transcript variant (2), intron variant (1).
Genome position (GRCh38, 1-based): chr2:232,330,775, A>G. VCF-style: chr2-232330775-A-G. GRCh37 (hg19) VCF-style: chr2-233195485-A-G.
Other names: c.1582-12570A>G (NM_001257281.2); short protein forms Q670R.
Identifiers: ClinVar variation 1507292 (VCV001507292.6), dbSNP rs2106349175, ClinGen allele CA350976788.